The following is an entry in ClinVar:

NM_001005273.3(CHD3):c.5401G>C (p.Glu1801Gln)

Gene: CHD3 (chromodomain helicase DNA binding protein 3; plus strand). Cytogenetic location: 17p13.1.
Variant type: single nucleotide variant.
Coding change: c.5401G>C on transcript NM_001005273.3 (MANE Select); coding-DNA position 5401, G replaced by C.
Protein change: p.Glu1801Gln; replaces glutamic acid 1801 with glutamine.
Molecular consequence: missense variant.
Genome position (GRCh38, 1-based): chr17:7,909,149, G>C. VCF-style: chr17-7909149-G-C. GRCh37 (hg19) VCF-style: chr17-7812467-G-C.
Other names: c.5578G>C, p.Glu1860Gln (NM_001005271.3); c.5299G>C, p.Glu1767Gln (NM_005852.4); short protein forms E1767Q, E1801Q, E1860Q.
Identifiers: ClinVar variation 3390477 (VCV003390477.1).

ClinVar aggregate classification (germline): Uncertain significance (1 of 4 stars; one submission).

Submission:

GeneDx
Classification: Uncertain significance. Last evaluated: 2024-06-14. Review status: criteria provided, single submitter. Criteria: GeneDx Variant Classification Process June 2021. Collection method: clinical testing. Allele origin: germline. Affected: yes.
Comment: Not observed at significant frequency in large population cohorts (gnomAD); In silico analysis supports that this missense variant has a deleterious effect on protein structure/function; Has not been previously published as pathogenic or benign to our knowledge